The following is an entry in ClinVar:

NM_001384125.1(BLTP1):c.1655-11_1655-10del

Gene: BLTP1 (bridge-like lipid transfer protein family member 1; plus strand). Cytogenetic location: 4q27.
Variant type: Deletion.
Coding change: c.1655-11_1655-10del on transcript NM_001384125.1 (MANE Select); 11 bases into the intron before coding-DNA position 1655 through 10 bases into the intron before coding-DNA position 1655, 2 bases deleted (TT; older notation c.1655-11_1655-10delTT).
Molecular consequence: intron variant.
Genome position (GRCh38, 1-based): chr4:122,207,530-122,207,531, TT deleted; deleting any 2 consecutive bases within chr4:122,207,515-122,207,531 gives the same sequence; the c. name uses the placement nearest the transcript's 3' end. VCF-style (leftmost placement, unchanged base first): chr4-122207514-CTT-C. GRCh37 (hg19) VCF-style: chr4-123128669-CTT-C.
Other names: c.1655-11_1655-10del (NM_015312.4).
Identifiers: ClinVar variation 3039715 (VCV003039715.2), dbSNP rs5861559, ClinGen allele CA1067472434.
Genomic context (GRCh38, chr4:122,207,514, plus strand): 5'-ATTTTAGGCAATTTTATAATTGAAATTTAATGGACATTAAAAGTAAATTTACTTTTTCTT[CTT>C]TTTTTTTTTTTTTTTCTTTTGTAGTGTATCTGGCAGCCTGTGGAGAAACACTAAACATTG-3'

ClinVar aggregate classification (germline): Likely benign (0 of 4 stars; one submission).

Conditions:
BLTP1-related disorder. Also called: BLTP1-related condition.

Submission:

PreventionGenetics, part of Exact Sciences
Classification: Likely benign for BLTP1-related condition. Last evaluated: 2019-08-12. Review status: no assertion criteria provided. Collection method: clinical testing. Allele origin: germline.
Comment: This variant is classified as likely benign based on ACMG/AMP sequence variant interpretation guidelines (Richards et al. 2015 PMID: 25741868, with internal and published modifications).